The following is an entry in ClinVar:

ClinVar aggregate classification (germline): Conflicting classifications of pathogenicity. Review status: criteria provided, conflicting classifications (1 of 4 stars). 3 submissions from 3 submitters: Uncertain significance (2); Likely benign (1). Last evaluated 2026-01-20.

Conditions:
Birt-Hogg-Dube syndrome. Also called: Birt Hogg Dubé syndrome. Identifiers: Orphanet 122, MedGen C0346010, MONDO:0800444.
Colorectal cancer. Also called: Colorectal cancer, somatic; Malignant Colorectal Neoplasm. Identifiers: MedGen C0346629, MONDO:0005575, OMIM 114500.
Nonpapillary renal cell carcinoma. Identifiers: Orphanet 422526, MedGen CN074294, MONDO:0007763, OMIM 144700.
Familial spontaneous pneumothorax (PSP). Identifiers: Orphanet 2903, MedGen C1868193, MONDO:0008259, OMIM 173600.
17p11.2 microduplication syndrome (PTLS). Also called: CHROMOSOME 17p11.2 DUPLICATION SYNDROME; Potocki-Lupski syndrome; Duplication 17p11.2 syndrome; Potocki-Lupski syndrome (dup(17)(p11.2p11.2)). Identifiers: Orphanet 1713, MedGen C2931246, MONDO:0012574, OMIM 610883.
Hereditary cancer-predisposing syndrome. Also called: Hereditary neoplastic syndrome; Neoplastic Syndromes, Hereditary; Tumor predisposition; Hereditary Cancer Syndrome. Identifiers: Orphanet 140162, MedGen C0027672, MeSH D009386, MONDO:0015356.

Allele frequency attached by ClinVar (database versions not stated): gnomAD exomes 0.00001; TOPMed 0.00001; ExAC 0.00002; gnomAD 0.00003.

Submissions (3):

Labcorp Genetics (formerly Invitae), Labcorp
Classification: Uncertain significance for Birt-Hogg-Dube syndrome. Last evaluated: 2026-01-20. Review status: criteria provided, single submitter. Criteria: Invitae Variant Classification Sherloc (09022015). Collection method: clinical testing. Allele origin: germline.
Comment: This sequence change replaces alanine, which is neutral and non-polar, with threonine, which is neutral and polar, at codon 225 of the FLCN protein (p.Ala225Thr). This variant is present in population databases (rs769250170, gnomAD 0.003%). This variant has not been reported in the literature in individuals affected with FLCN-related conditions. ClinVar contains an entry for this variant (Variation ID: 485580). Invitae Evidence Modeling of protein sequence and biophysical properties (such as structural, functional, and spatial information, amino acid conservation, physicochemical variation, residue mobility, and thermodynamic stability) indicates that this missense variant is not expected to disrupt FLCN protein function with a negative predictive value of 80%. In summary, the available evidence is currently insufficient to determine the role of this variant in disease. Therefore, it has been classified as a Variant of Uncertain Significance.

Ambry Genetics
Classification: Likely benign for Hereditary cancer-predisposing syndrome. Last evaluated: 2022-02-03. Review status: criteria provided, single submitter. Criteria: Ambry Variant Classification Scheme 2023. Collection method: clinical testing. Allele origin: germline.

Fulgent Genetics
Classification: Uncertain significance for Colorectal cancer; Birt-Hogg-Dube syndrome 1; Nonpapillary renal cell carcinoma; Familial spontaneous pneumothorax; 17p11.2 microduplication syndrome. Last evaluated: 2021-09-16. Review status: criteria provided, single submitter. Criteria: ACMG Guidelines, 2015. Collection method: clinical testing. Allele origin: unknown.

NM_144997.7(FLCN):c.673G>A (p.Ala225Thr)

Gene: FLCN (folliculin; minus strand). Cytogenetic location: 17p11.2.
Variant type: single nucleotide variant.
Coding change: c.673G>A on transcript NM_144997.7 (MANE Select); coding-DNA position 673, G replaced by A.
Protein change: p.Ala225Thr; replaces alanine 225 with threonine.
Molecular consequence: missense variant.
Genome position (GRCh38, 1-based): chr17:17,222,607, C>T on the plus strand (G>A on the coding strand, the complement: FLCN is on the minus strand). VCF-style: chr17-17222607-C-T. GRCh37 (hg19) VCF-style: chr17-17125921-C-T.
Other names: c.673G>A (LRG_325t1); c.727G>A, p.Ala243Thr (NM_001353229.2); c.673G>A, p.Ala225Thr (NM_001353230.2, NM_001353231.2, NM_144606.7); short protein forms A225T, A243T.
Identifiers: ClinVar variation 485580 (VCV000485580.13), dbSNP rs769250170, ClinGen allele CA8416341.